The following is an entry in ClinVar:

NM_001382347.1(MYO5A):c.696T>C (p.Tyr232=)

Gene: MYO5A (myosin VA; minus strand). Cytogenetic location: 15q21.2.
Variant type: single nucleotide variant.
Coding change: c.696T>C on transcript NM_001382347.1 (MANE Select); coding-DNA position 696, T replaced by C.
Protein change: p.Tyr232=; no amino-acid change (tyrosine 232 retained).
Molecular consequence: synonymous variant.
Genome position (GRCh38, 1-based): chr15:52,410,393, A>G on the plus strand (T>C on the coding strand, the complement: MYO5A is on the minus strand). VCF-style: chr15-52410393-A-G. GRCh37 (hg19) VCF-style: chr15-52702590-A-G.
Other names: c.696T>C, p.Tyr232= (NM_000259.3, NM_001142495.2); c.768T>C, p.Tyr256= (NM_001382348.1, NM_001382349.1).
Identifiers: ClinVar variation 255657 (VCV000255657.39), dbSNP rs148997257, ClinGen allele CA7569165.

ClinVar aggregate classification (germline): Benign/Likely benign. Review status: criteria provided, multiple submitters, no conflicts (2 of 4 stars). 5 submissions from 5 submitters: Benign (1); Likely benign (4). Last evaluated 2024-08-06.

Allele frequency attached by ClinVar (database versions not stated): gnomAD exomes 0.00007 and 0.00020; ExAC 0.00029; ESP Exome Variant Server 0.00076; gnomAD 0.00083 and 0.00089; 1000 Genomes Project 0.00100; TOPMed 0.00106; 1000 Genomes Project 30x 0.00109.
gnomAD v4.1: 242 of 1,613,510 alleles (0.015%); highest among the groups gnomAD compares: African/African-American, 0.29%; no homozygotes.

Submissions (5):

Blueprint Genetics
Classification: Likely benign. Last evaluated: 2024-08-06. Review status: criteria provided, single submitter. Criteria: ACMG Guidelines, 2015. Collection method: clinical testing. Allele origin: germline.

Labcorp Genetics (formerly Invitae), Labcorp
Classification: Benign. Last evaluated: 2023-10-29. Review status: criteria provided, single submitter. Criteria: Invitae Variant Classification Sherloc (09022015). Collection method: clinical testing. Allele origin: germline.

CeGaT Center for Human Genetics Tuebingen
Classification: Likely benign. Last evaluated: 2023-04-01. Review status: criteria provided, single submitter. Criteria: CeGaT Center For Human Genetics Tuebingen Variant Classification Criteria Version 2. Collection method: clinical testing. Allele origin: germline. Affected: yes. Observed: 1 variant allele.
Comment: MYO5A: BP4, BP7

Genetic Services Laboratory, University of Chicago
Classification: Likely benign. Last evaluated: 2016-01-26. Review status: criteria provided, single submitter. Criteria: ACMG Guidelines, 2015. Collection method: clinical testing. Allele origin: germline. Affected: no.

PreventionGenetics, part of Exact Sciences
Classification: Likely benign. Review status: criteria provided, single submitter. Criteria: ACMG Guidelines, 2015. Collection method: clinical testing. Allele origin: germline.